The following is an entry in ClinVar:

NM_182931.3(KMT2E):c.4757C>A (p.Pro1586Gln)

Gene: KMT2E (lysine methyltransferase 2E (inactive); plus strand). Cytogenetic location: 7q22.3.
Variant type: single nucleotide variant.
Coding change: c.4757C>A on transcript NM_182931.3 (MANE Select); coding-DNA position 4757, C replaced by A.
Protein change: p.Pro1586Gln; replaces proline 1586 with glutamine.
Molecular consequence: missense variant.
Genome position (GRCh38, 1-based): chr7:105,112,513, C>A. VCF-style: chr7-105112513-C-A. GRCh37 (hg19) VCF-style: chr7-104752960-C-A.
Other names: c.4631C>A, p.Pro1544Gln (NM_001410908.1); c.4757C>A, p.Pro1586Gln (NM_018682.4); short protein forms P1544Q, P1586Q.
Identifiers: ClinVar variation 2805612 (VCV002805612.3), dbSNP rs2536525858, ClinGen allele CA368793393.

ClinVar aggregate classification (germline): Uncertain significance (1 of 4 stars; one submission).

Submission:

Labcorp Genetics (formerly Invitae), Labcorp
Classification: Uncertain significance. Last evaluated: 2024-10-29. Review status: criteria provided, single submitter. Criteria: Invitae Variant Classification Sherloc (09022015). Collection method: clinical testing. Allele origin: germline.
Comment: This sequence change replaces proline, which is neutral and non-polar, with glutamine, which is neutral and polar, at codon 1586 of the KMT2E protein (p.Pro1586Gln). This variant is not present in population databases (gnomAD no frequency). This variant has not been reported in the literature in individuals affected with KMT2E-related conditions. ClinVar contains an entry for this variant (Variation ID: 2805612). An algorithm developed to predict the effect of missense changes on protein structure and function (PolyPhen-2) suggests that this variant is likely to be disruptive. In summary, the available evidence is currently insufficient to determine the role of this variant in disease. Therefore, it has been classified as a Variant of Uncertain Significance.